The following is an entry in ClinVar:

ClinVar aggregate classification (germline): Uncertain significance (1 of 4 stars; one submission).

Allele frequency attached by ClinVar (database versions not stated): gnomAD exomes 0.00001.
gnomAD v4.1: 3 of 1,612,634 alleles (0.00019%); highest among the groups gnomAD compares: Non-Finnish European, 0.00025%; no homozygotes.

Submission:

Labcorp Genetics (formerly Invitae), Labcorp
Classification: Uncertain significance. Last evaluated: 2021-08-27. Review status: criteria provided, single submitter. Criteria: Invitae Variant Classification Sherloc (09022015). Collection method: clinical testing. Allele origin: germline.
Comment: This sequence change replaces isoleucine with valine at codon 17 of the USH1C protein (p.Ile17Val). The isoleucine residue is highly conserved and there is a small physicochemical difference between isoleucine and valine. This variant is not present in population databases (ExAC no frequency). This variant has not been reported in the literature in individuals affected with USH1C-related conditions. Algorithms developed to predict the effect of missense changes on protein structure and function (SIFT, PolyPhen-2, Align-GVGD) all suggest that this variant is likely to be tolerated. In summary, the available evidence is currently insufficient to determine the role of this variant in disease. Therefore, it has been classified as a Variant of Uncertain Significance.

NM_153676.4(USH1C):c.49A>G (p.Ile17Val)

Gene: USH1C (USH1 protein network component harmonin; minus strand). Cytogenetic location: 11p15.1.
Variant type: single nucleotide variant.
Coding change: c.49A>G on transcript NM_153676.4 (MANE Select); coding-DNA position 49, A replaced by G.
Protein change: p.Ile17Val; replaces isoleucine 17 with valine.
Molecular consequence: missense variant. On other transcripts: non-coding transcript variant (1).
Genome position (GRCh38, 1-based): chr11:17,533,310, T>C on the plus strand (A>G on the coding strand, the complement: USH1C is on the minus strand). VCF-style: chr11-17533310-T-C. GRCh37 (hg19) VCF-style: chr11-17554857-T-C.
Other names: c.49A>G, p.Ile17Val (NM_001297764.2, NM_005709.4); short protein forms I17V.
Identifiers: ClinVar variation 1023265 (VCV001023265.6), dbSNP rs1179635643, ClinGen allele CA379800944.